The following is an entry in ClinVar:

NM_000094.4(COL7A1):c.2935G>A (p.Val979Met)

Gene: COL7A1 (collagen type VII alpha 1 chain; minus strand). Cytogenetic location: 3p21.31.
Variant type: single nucleotide variant.
Coding change: c.2935G>A on transcript NM_000094.4 (MANE Select); coding-DNA position 2935, G replaced by A.
Protein change: p.Val979Met; replaces valine 979 with methionine.
Molecular consequence: missense variant.
Genome position (GRCh38, 1-based): chr3:48,587,477, C>T on the plus strand (G>A on the coding strand, the complement: COL7A1 is on the minus strand). VCF-style: chr3-48587477-C-T. GRCh37 (hg19) VCF-style: chr3-48624910-C-T.
Other names: short protein forms V979M.
Identifiers: ClinVar variation 3701363 (VCV003701363.2).

ClinVar aggregate classification (germline): Uncertain significance (1 of 4 stars; one submission).

gnomAD v4.1: 1 of 1,613,210 alleles (0.000062%); highest among the groups gnomAD compares: African/African-American, 0.0013%; no homozygotes.

Submission:

Labcorp Genetics (formerly Invitae), Labcorp
Classification: Uncertain significance. Last evaluated: 2024-06-17. Review status: criteria provided, single submitter. Criteria: Invitae Variant Classification Sherloc (09022015). Collection method: clinical testing. Allele origin: germline.
Comment: This sequence change replaces valine, which is neutral and non-polar, with methionine, which is neutral and non-polar, at codon 979 of the COL7A1 protein (p.Val979Met). This variant is present in population databases (no rsID available, gnomAD 0.01%). This variant has not been reported in the literature in individuals affected with COL7A1-related conditions. Advanced modeling of protein sequence and biophysical properties (such as structural, functional, and spatial information, amino acid conservation, physicochemical variation, residue mobility, and thermodynamic stability) performed at Invitae indicates that this missense variant is not expected to disrupt COL7A1 protein function with a negative predictive value of 95%. In summary, the available evidence is currently insufficient to determine the role of this variant in disease. Therefore, it has been classified as a Variant of Uncertain Significance.